The following is an entry in ClinVar:

ClinVar aggregate classification (germline): Uncertain significance (1 of 4 stars; one submission).

Conditions:
Myopathy, centronuclear, 2 (CNM2). Also called: MYOTUBULAR MYOPATHY, AUTOSOMAL RECESSIVE. Identifiers: Orphanet 169186, MedGen CN031787, MONDO:0009709, OMIM 255200.

gnomAD v4.1: 39 of 1,610,274 alleles (0.0024%); highest among the groups gnomAD compares: Non-Finnish European, 0.0031%; no homozygotes.

Submission:

Labcorp Genetics (formerly Invitae), Labcorp
Classification: Uncertain significance for Myopathy, centronuclear, 2. Last evaluated: 2025-08-29. Review status: criteria provided, single submitter. Criteria: Invitae Variant Classification Sherloc (09022015). Collection method: clinical testing. Allele origin: germline.
Comment: This sequence change replaces threonine, which is neutral and polar, with alanine, which is neutral and non-polar, at codon 280 of the BIN1 protein (p.Thr280Ala). The frequency data for this variant in the population databases is considered unreliable, as metrics indicate poor data quality at this position in the gnomAD database. This variant has not been reported in the literature in individuals affected with BIN1-related conditions. Invitae Evidence Modeling of protein sequence and biophysical properties (such as structural, functional, and spatial information, amino acid conservation, physicochemical variation, residue mobility, and thermodynamic stability) indicates that this missense variant is not expected to disrupt BIN1 protein function with a negative predictive value of 80%. In summary, the available evidence is currently insufficient to determine the role of this variant in disease. Therefore, it has been classified as a Variant of Uncertain Significance.

NM_139343.3(BIN1):c.838A>G (p.Thr280Ala)

Gene: BIN1 (bridging integrator 1; minus strand). Cytogenetic location: 2q14.3.
Variant type: single nucleotide variant.
Coding change: c.838A>G on transcript NM_139343.3 (MANE Select); coding-DNA position 838, A replaced by G.
Protein change: p.Thr280Ala; replaces threonine 280 with alanine.
Molecular consequence: missense variant.
Genome position (GRCh38, 1-based): chr2:127,062,134, T>C on the plus strand (A>G on the coding strand, the complement: BIN1 is on the minus strand). VCF-style: chr2-127062134-T-C. GRCh37 (hg19) VCF-style: chr2-127819710-T-C.
Other names: c.745A>G, p.Thr249Ala (NM_001320632.2, NM_001320641.2, NM_004305.4 and 6 more transcripts); c.838A>G, p.Thr280Ala (NM_001320633.2, NM_001320640.2, NM_139344.3 and 1 more transcripts); c.673A>G, p.Thr225Ala (NM_001320634.1); c.757A>G, p.Thr253Ala (NM_001320642.1); short protein forms T225A, T249A, T253A, T280A.
Identifiers: ClinVar variation 4804542 (VCV004804542.1).